The following is an entry in ClinVar:

NM_001122659.3(EDNRB):c.735G>A (p.Met245Ile)

Genes: EDNRB (endothelin receptor type B; minus strand), EDNRB-AS1 (EDNRB antisense RNA 1; plus strand). Cytogenetic location: 13q22.3.
Variant type: single nucleotide variant.
Coding change: c.735G>A on transcript NM_001122659.3 (MANE Select); coding-DNA position 735, G replaced by A.
Protein change: p.Met245Ile; replaces methionine 245 with isoleucine.
Molecular consequence: missense variant.
Genome position (GRCh38, 1-based): chr13:77,903,222, C>T on the plus strand (G>A on the coding strand, the complement: EDNRB is on the minus strand). VCF-style: chr13-77903222-C-T. GRCh37 (hg19) VCF-style: chr13-78477357-C-T.
Other names: c.735G>A, p.Met245Ile (NM_000115.5, NM_003991.4); c.1005G>A, p.Met335Ile (NM_001201397.2); short protein forms M335I, M245I.
Identifiers: ClinVar variation 1899717 (VCV001899717.5), dbSNP rs776468186, ClinGen allele CA7012278.

ClinVar aggregate classification (germline): Uncertain significance (1 of 4 stars; one submission).

Allele frequency attached by ClinVar (database versions not stated): ExAC 0.00001; gnomAD exomes 0.00001.

Submission:

Labcorp Genetics (formerly Invitae), Labcorp
Classification: Uncertain significance. Last evaluated: 2022-06-04. Review status: criteria provided, single submitter. Criteria: Invitae Variant Classification Sherloc (09022015). Collection method: clinical testing. Allele origin: germline.
Comment: In summary, the available evidence is currently insufficient to determine the role of this variant in disease. Therefore, it has been classified as a Variant of Uncertain Significance. Algorithms developed to predict the effect of sequence changes on RNA splicing suggest that this variant may create or strengthen a splice site. Algorithms developed to predict the effect of missense changes on protein structure and function output the following: SIFT: "Tolerated"; PolyPhen-2: "Benign"; Align-GVGD: "Class C0". The isoleucine amino acid residue is found in multiple mammalian species, which suggests that this missense change does not adversely affect protein function. This variant has not been reported in the literature in individuals affected with EDNRB-related conditions. This variant is present in population databases (rs776468186, gnomAD 0.0009%). This sequence change replaces methionine, which is neutral and non-polar, with isoleucine, which is neutral and non-polar, at codon 245 of the EDNRB protein (p.Met245Ile).